The following is an entry in ClinVar:

NM_004655.4(AXIN2):c.1562A>G (p.His521Arg)

Gene: AXIN2 (axin 2; minus strand). Cytogenetic location: 17q24.1.
Variant type: single nucleotide variant.
Coding change: c.1562A>G on transcript NM_004655.4 (MANE Select); coding-DNA position 1562, A replaced by G.
Protein change: p.His521Arg; replaces histidine 521 with arginine.
Molecular consequence: missense variant.
Genome position (GRCh38, 1-based): chr17:65,537,474, T>C on the plus strand (A>G on the coding strand, the complement: AXIN2 is on the minus strand). VCF-style: chr17-65537474-T-C. GRCh37 (hg19) VCF-style: chr17-63533592-T-C.
Other names: c.1562A>G, p.His521Arg (NM_001363813.1); short protein forms H521R.
Identifiers: ClinVar variation 2088775 (VCV002088775.5), dbSNP rs2509413105, ClinGen allele CA400677257.

ClinVar aggregate classification (germline): Uncertain significance. Review status: criteria provided, multiple submitters, no conflicts (2 of 4 stars). 2 submissions from 2 submitters: Uncertain significance (2). Last evaluated 2026-08-29.

Conditions:
Hereditary cancer-predisposing syndrome. Also called: Tumor predisposition; Hereditary Cancer Syndrome; Hereditary neoplastic syndrome; Neoplastic Syndromes, Hereditary. Identifiers: Orphanet 140162, MedGen C0027672, MeSH D009386, MONDO:0015356.
Oligodontia-cancer predisposition syndrome. Also called: TOOTH AGENESIS-COLORECTAL CANCER SYNDROME. Identifiers: Orphanet 300576, MedGen C1837750, MONDO:0012075, OMIM 608615. Disease mechanism: loss of function.

Submissions (2):

Ambry Genetics
Classification: Uncertain significance for Hereditary cancer-predisposing syndrome. Last evaluated: 2026-08-29. Review status: criteria provided, single submitter. Criteria: Ambry Variant Classification Scheme 2023. Collection method: clinical testing. Allele origin: germline.
Comment: The p.H521R variant (also known as c.1562A>G), located in coding exon 5 of the AXIN2 gene, results from an A to G substitution at nucleotide position 1562. The histidine at codon 521 is replaced by arginine, an amino acid with highly similar properties. This amino acid position is conserved. In addition, the in silico prediction for this alteration is inconclusive. Based on the available evidence, the clinical significance of this variant remains unclear.

Labcorp Genetics (formerly Invitae), Labcorp
Classification: Uncertain significance for Oligodontia-cancer predisposition syndrome. Last evaluated: 2023-09-25. Review status: criteria provided, single submitter. Criteria: Invitae Variant Classification Sherloc (09022015). Collection method: clinical testing. Allele origin: germline.
Comment: ClinVar contains an entry for this variant (Variation ID: 2088775). In summary, the available evidence is currently insufficient to determine the role of this variant in disease. Therefore, it has been classified as a Variant of Uncertain Significance. Advanced modeling of protein sequence and biophysical properties (such as structural, functional, and spatial information, amino acid conservation, physicochemical variation, residue mobility, and thermodynamic stability) performed at Invitae indicates that this missense variant is not expected to disrupt AXIN2 protein function. This variant has not been reported in the literature in individuals affected with AXIN2-related conditions. This variant is not present in population databases (gnomAD no frequency). This sequence change replaces histidine, which is basic and polar, with arginine, which is basic and polar, at codon 521 of the AXIN2 protein (p.His521Arg).